The following is an entry in ClinVar:

NM_001165963.4(SCN1A):c.4828G>T (p.Val1610Leu)

Genes: SCN1A (sodium voltage-gated channel alpha subunit 1; minus strand), LOC102724058 (uncharacterized LOC102724058; plus strand). Cytogenetic location: 2q24.3.
Variant type: single nucleotide variant.
Coding change: c.4828G>T on transcript NM_001165963.4 (MANE Select); coding-DNA position 4828, G replaced by T.
Protein change: p.Val1610Leu; replaces valine 1610 with leucine.
Molecular consequence: missense variant. On other transcripts: non-coding transcript variant (1).
Genome position (GRCh38, 1-based): chr2:165,994,170, C>A on the plus strand (G>T on the coding strand, the complement: SCN1A is on the minus strand). VCF-style: chr2-165994170-C-A. GRCh37 (hg19) VCF-style: chr2-166850680-C-A.
Other names: c.4744G>T, p.Val1582Leu (NM_001165964.3, NM_001353957.2, NM_001353958.2); c.4828G>T, p.Val1610Leu (NM_001202435.3, NM_001353948.2); c.4795G>T, p.Val1599Leu (NM_001353949.2, NM_001353950.2, NM_001353951.2 and 2 more transcripts); c.4792G>T, p.Val1598Leu (NM_001353954.2, NM_001353955.2); c.4741G>T, p.Val1581Leu (NM_001353960.2); c.2386G>T, p.Val796Leu (NM_001353961.2); short protein forms V1581L, V1582L, V1598L, V1599L, V1610L, V796L.
Identifiers: ClinVar variation 1676352 (VCV001676352.2), dbSNP rs2105447473, ClinGen allele CA349071335.
Genomic context (GRCh38, chr2:165,994,170, plus strand): 5'-ATTTAACTGAATTTAAGAACTTTAAATATTTCTTACCTACAATGGAGAGAATGACAACCA[C>A]AAAATCAAAAATATTCCATCCAATGGTAAAATAATAATGGCGTAGAGAGATGAGTTTCAG-3'
Protein context (NP_001159435.1, residues 1600-1620): FTIGWNIFDF[Val1610Leu]VVILSIVGMF

ClinVar aggregate classification (germline): Uncertain significance (1 of 4 stars; one submission).

Submission:

GeneDx
Classification: Uncertain significance. Last evaluated: 2021-10-11. Review status: criteria provided, single submitter. Criteria: GeneDx Variant Classification Process June 2021. Collection method: clinical testing. Allele origin: germline. Affected: yes.
Comment: Not observed at significant frequency in large population cohorts (gnomAD); Missense variants in this gene are often considered pathogenic (HGMD); In silico analysis supports that this missense variant does not alter protein structure/function; Predicted to be within the transmembrane segment S3 of the fourth homologous domain; Has not been previously published as pathogenic or benign to our knowledge